The following is an entry in ClinVar:

NM_001164508.2(NEB):c.7882C>G (p.Leu2628Val)

Gene: NEB (nebulin; minus strand). Cytogenetic location: 2q23.3.
Variant type: single nucleotide variant.
Coding change: c.7882C>G on transcript NM_001164508.2 (MANE Select); coding-DNA position 7882, C replaced by G.
Protein change: p.Leu2628Val; replaces leucine 2628 with valine.
Molecular consequence: missense variant.
Genome position (GRCh38, 1-based): chr2:151,643,892, G>C on the plus strand (C>G on the coding strand, the complement: NEB is on the minus strand). VCF-style: chr2-151643892-G-C. GRCh37 (hg19) VCF-style: chr2-152500406-G-C.
Other names: c.7882C>G, p.Leu2628Val (NM_001164507.2, NM_001271208.2, NM_004543.5); short protein forms L2628V.
Identifiers: ClinVar variation 1385090 (VCV001385090.5), dbSNP rs1222037893, ClinGen allele CA348781106.

ClinVar aggregate classification (germline): Uncertain significance (1 of 4 stars; one submission).

Conditions:
Nemaline myopathy 2 (NEM2). Also called: Nemaline myopathy 2, autosomal recessive. Identifiers: MedGen C1850569, MONDO:0009725, OMIM 256030.

Allele frequency attached by ClinVar (database versions not stated): gnomAD exomes below 0.00001.
gnomAD v4.1: 4 of 1,614,036 alleles (0.00025%); highest among the groups gnomAD compares: Admixed American, 0.0017%; no homozygotes.

Submission:

Labcorp Genetics (formerly Invitae), Labcorp
Classification: Uncertain significance for Nemaline myopathy 2. Last evaluated: 2022-07-05. Review status: criteria provided, single submitter. Criteria: Invitae Variant Classification Sherloc (09022015). Collection method: clinical testing. Allele origin: germline.
Comment: This sequence change replaces leucine, which is neutral and non-polar, with valine, which is neutral and non-polar, at codon 2628 of the NEB protein (p.Leu2628Val). This variant is present in population databases (no rsID available, gnomAD 0.003%). This variant has not been reported in the literature in individuals affected with NEB-related conditions. ClinVar contains an entry for this variant (Variation ID: 1385090). Algorithms developed to predict the effect of missense changes on protein structure and function are either unavailable or do not agree on the potential impact of this missense change (SIFT: "Deleterious"; PolyPhen-2: "Not Available"; Align-GVGD: "Class C0"). In summary, the available evidence is currently insufficient to determine the role of this variant in disease. Therefore, it has been classified as a Variant of Uncertain Significance.